The following is an entry in ClinVar:

NM_002878.4(RAD51D):c.291C>T (p.Leu97=)

Genes: RAD51L3-RFFL (RAD51L3-RFFL readthrough; minus strand), RAD51D (RAD51 paralog D; minus strand). Cytogenetic location: 17q12.
Variant type: single nucleotide variant.
Coding change: c.291C>T on transcript NM_002878.4 (MANE Select); coding-DNA position 291, C replaced by T.
Protein change: p.Leu97=; no amino-acid change (leucine 97 retained).
Molecular consequence: synonymous variant. On other transcripts: non-coding transcript variant (2), intron variant (1).
Genome position (GRCh38, 1-based): chr17:35,107,420, G>A on the plus strand (C>T on the coding strand, the complement: RAD51D is on the minus strand). VCF-style: chr17-35107420-G-A. GRCh37 (hg19) VCF-style: chr17-33434439-G-A.
Other names: c.351C>T, p.Leu117= (NM_001142571.2); c.145-939C>T (NM_133629.3).
Identifiers: ClinVar variation 743478 (VCV000743478.10), dbSNP rs1597863353, ClinGen allele CA499731899.

ClinVar aggregate classification (germline): Benign/Likely benign. Review status: criteria provided, multiple submitters, no conflicts (2 of 4 stars). 2 submissions from 2 submitters: Benign (1); Likely benign (1). Last evaluated 2025-02-20.

Conditions:
Breast-ovarian cancer, familial, susceptibility to, 4. Identifiers: Orphanet 145, MedGen C3280345, MONDO:0013669, OMIM 614291.

Allele frequency attached by ClinVar (database versions not stated): gnomAD exomes below 0.00001.
gnomAD v4.1: 2 of 1,562,358 alleles (0.00013%); highest among the groups gnomAD compares: East Asian, 0.0022%; no homozygotes.

Submissions (2):

Myriad Genetics, Inc.
Classification: Benign for Breast-ovarian cancer, familial, susceptibility to, 4. Last evaluated: 2025-02-20. Review status: criteria provided, single submitter. Criteria: Myriad Autosomal Dominant, Autosomal Recessive and X-Linked Classification Criteria (2023). Collection method: clinical testing. Allele origin: unknown.
Comment: This variant is considered benign. This variant is a silent/synonymous amino acid change and it is not expected to impact splicing.

Labcorp Genetics (formerly Invitae), Labcorp
Classification: Likely benign for Breast-ovarian cancer, familial, susceptibility to, 4. Last evaluated: 2022-08-09. Review status: criteria provided, single submitter. Criteria: Invitae Variant Classification Sherloc (09022015). Collection method: clinical testing. Allele origin: germline.